The following is an entry in ClinVar:

ClinVar aggregate classification (germline): Likely benign. Review status: criteria provided, multiple submitters, no conflicts (2 of 4 stars). 3 submissions from 3 submitters: Likely benign (3). Last evaluated 2025-08-07.

Conditions:
Combined immunodeficiency due to DOCK8 deficiency (HIES2). Also called: DOCK8 Deficiency; HIES autosomal recessive; HYPER-IgE SYNDROME 2, AUTOSOMAL RECESSIVE, WITH RECURRENT INFECTIONS; Hyper-IgE recurrent infection syndrome, autosomal recessive; HYPER-IgE RECURRENT INFECTION SYNDROME 2, AUTOSOMAL RECESSIVE. Identifiers: Orphanet 217390, MedGen C4722305, MONDO:0009478, OMIM 243700.

Allele frequency attached by ClinVar (database versions not stated): ExAC 0.00001; gnomAD 0.00001; gnomAD exomes 0.00002; TOPMed 0.00002.
gnomAD v4.1: 30 of 1,614,100 alleles (0.0019%); highest among the groups gnomAD compares: Non-Finnish European, 0.0024%; no homozygotes.

Submissions (3):

Mayo Clinic Laboratories, Mayo Clinic
Classification: Likely benign. Last evaluated: 2025-08-07. Review status: criteria provided, single submitter. Criteria: ACMG Guidelines, 2015. Collection method: clinical testing. Allele origin: germline. Observed: 1 variant allele.

Labcorp Genetics (formerly Invitae), Labcorp
Classification: Likely benign for Combined immunodeficiency due to DOCK8 deficiency. Last evaluated: 2025-06-04. Review status: criteria provided, single submitter. Criteria: Invitae Variant Classification Sherloc (09022015). Collection method: clinical testing. Allele origin: germline.

GeneDx
Classification: Likely benign. Last evaluated: 2018-04-25. Review status: criteria provided, single submitter. Criteria: GeneDx Variant Classification (06012015). Collection method: clinical testing. Allele origin: germline. Affected: yes.
Comment: This variant is considered likely benign or benign based on one or more of the following criteria: it is a conservative change, it occurs at a poorly conserved position in the protein, it is predicted to be benign by multiple in silico algorithms, and/or has population frequency not consistent with disease.

NM_203447.4(DOCK8):c.1941C>T (p.Phe647=)

Gene: DOCK8 (dedicator of cytokinesis 8; plus strand). Cytogenetic location: 9p24.3.
Variant type: single nucleotide variant.
Coding change: c.1941C>T on transcript NM_203447.4 (MANE Select); coding-DNA position 1941, C replaced by T.
Protein change: p.Phe647=; no amino-acid change (phenylalanine 647 retained).
Molecular consequence: synonymous variant.
Genome position (GRCh38, 1-based): chr9:371,500, C>T. VCF-style: chr9-371500-C-T. GRCh37 (hg19) VCF-style: chr9-371500-C-T.
Other names: p.Phe647=; c.1737C>T, p.Phe579= (NM_001190458.2, NM_001193536.2).
Identifiers: ClinVar variation 682534 (VCV000682534.10), dbSNP rs774151864, ClinGen allele CA4958010.